The following is an entry in ClinVar:

ClinVar aggregate classification (germline): Uncertain significance (1 of 4 stars; one submission).

Conditions:
Bardet-Biedl syndrome (BBS). Identifiers: Orphanet 110, MedGen C0752166, MONDO:0015229.

Allele frequency attached by ClinVar (database versions not stated): gnomAD exomes below 0.00001; TOPMed below 0.00001; gnomAD 0.00001.
gnomAD v4.1: 5 of 1,585,020 alleles (0.00032%); highest among the groups gnomAD compares: Non-Finnish European, 0.00043%; no homozygotes.

Submission:

Labcorp Genetics (formerly Invitae), Labcorp
Classification: Uncertain significance for Bardet-Biedl syndrome. Last evaluated: 2022-01-27. Review status: criteria provided, single submitter. Criteria: Invitae Variant Classification Sherloc (09022015). Collection method: clinical testing. Allele origin: germline.
Comment: This sequence change replaces valine, which is neutral and non-polar, with alanine, which is neutral and non-polar, at codon 564 of the BBS7 protein (p.Val564Ala). This variant is not present in population databases (gnomAD no frequency). In summary, the available evidence is currently insufficient to determine the role of this variant in disease. Therefore, it has been classified as a Variant of Uncertain Significance. Algorithms developed to predict the effect of missense changes on protein structure and function (SIFT, PolyPhen-2, Align-GVGD) all suggest that this variant is likely to be tolerated. ClinVar contains an entry for this variant (Variation ID: 938459). This variant has not been reported in the literature in individuals affected with BBS7-related conditions.

NM_176824.3(BBS7):c.1691T>C (p.Val564Ala)

Gene: BBS7 (Bardet-Biedl syndrome 7; minus strand). Cytogenetic location: 4q27.
Variant type: single nucleotide variant.
Coding change: c.1691T>C on transcript NM_176824.3 (MANE Select); coding-DNA position 1691, T replaced by C.
Protein change: p.Val564Ala; replaces valine 564 with alanine.
Molecular consequence: missense variant.
Genome position (GRCh38, 1-based): chr4:121,828,714, A>G on the plus strand (T>C on the coding strand, the complement: BBS7 is on the minus strand). VCF-style: chr4-121828714-A-G. GRCh37 (hg19) VCF-style: chr4-122749869-A-G.
Other names: c.1691T>C, p.Val564Ala (NM_018190.4); short protein forms V564A.
Identifiers: ClinVar variation 938459 (VCV000938459.4), dbSNP rs1463083357, ClinGen allele CA358056183.
Genomic context (GRCh38, chr4:121,828,714, plus strand): 5'-GCTTCTTTAGAAAGCACATCTTTTAGGATGGAGATAGTAGAAATGTTGTCAGATTTAAAA[A>G]CTCCCTCTCCTTTTCTATAAAATTAATATATTTTTTAAAAGAATAGCTGTAGAAGGAAAT-3'
Protein context (NP_789794.1, residues 554-574): LESTYRKGEG[Val564Ala]FKSDNISTIS